The following is an entry in ClinVar:

ClinVar aggregate classification (germline): Pathogenic (1 of 4 stars; one submission).

Conditions:
Inborn genetic diseases. Identifiers: MedGen C0950123, MeSH D030342.

Submission:

Ambry Genetics
Classification: Pathogenic for Inborn genetic diseases. Last evaluated: 2024-05-28. Review status: criteria provided, single submitter. Criteria: Ambry Variant Classification Scheme 2023. Collection method: clinical testing. Allele origin: germline.
Comment: The c.6655C>T (p.Q2219*) alteration, located in exon 10 (coding exon 6) of the HIVEP2 gene, consists of a C to T substitution at nucleotide position 6655. This changes the amino acid from a glutamine (Q) to a stop codon at amino acid position 2219. This alteration occurs at the 3' terminus of the HIVEP2 gene, is not expected to trigger nonsense-mediated mRNA decay, and impacts the last 9.3% of the protein. Premature stop codons are typically deleterious in nature. The impacted region is critical for protein function and a significant portion of the protein is affected (Ambry internal data). This variant was not reported in population-based cohorts in the Genome Aggregation Database (gnomAD). Based on the available evidence, this alteration is classified as pathogenic.

NM_006734.4(HIVEP2):c.6655C>T (p.Gln2219Ter)

Gene: HIVEP2 (HIVEP zinc finger 2; minus strand). Cytogenetic location: 6q24.2.
Variant type: single nucleotide variant.
Coding change: c.6655C>T on transcript NM_006734.4 (MANE Select); coding-DNA position 6655, C replaced by T.
Protein change: p.Gln2219Ter; replaces glutamine 2219 with a stop codon.
Molecular consequence: nonsense.
Genome position (GRCh38, 1-based): chr6:142,753,793, G>A on the plus strand (C>T on the coding strand, the complement: HIVEP2 is on the minus strand). VCF-style: chr6-142753793-G-A. GRCh37 (hg19) VCF-style: chr6-143074930-G-A.
Other names: short protein forms Q2219*.
Identifiers: ClinVar variation 3284378 (VCV003284378.1).
Genomic context (GRCh38, chr6:142,753,793, plus strand): 5'-AGTGAACCATCTGGATCCCACCAACGGGCACCATGGGGATAGGGGCTCGCACTTGTTGCT[G>A]AGAGTGGAGTGGAAGATGACTGAAGACATAGTCATTAGGACCCTCAGGGAAAAGGCTGGA-3'